The following is an entry in ClinVar:

NM_005633.4(SOS1):c.1989A>C (p.Ile663=)

Gene: SOS1 (SOS Ras/Rac guanine nucleotide exchange factor 1; minus strand). Cytogenetic location: 2p22.1.
Variant type: single nucleotide variant.
Coding change: c.1989A>C on transcript NM_005633.4 (MANE Select); coding-DNA position 1989, A replaced by C.
Protein change: p.Ile663=; no amino-acid change (isoleucine 663 retained).
Molecular consequence: synonymous variant.
Genome position (GRCh38, 1-based): chr2:39,013,941, T>G on the plus strand (A>C on the coding strand, the complement: SOS1 is on the minus strand). VCF-style: chr2-39013941-T-G. GRCh37 (hg19) VCF-style: chr2-39241082-T-G.
Other names: p.I663I:ATA>ATC; c.1968A>C, p.Ile656= (NM_001382394.1); c.1989A>C, p.Ile663= (NM_001382395.1).
Identifiers: ClinVar variation 139227 (VCV000139227.12), dbSNP rs587781172, ClinGen allele CA293647.
Genomic context (GRCh38, chr2:39,013,941, plus strand): 5'-CTGTATATATTCTTTTCTAAATCTTTTCAGTTCTGCACTCAAGGGTTGATCTCCATTCTC[T>G]ATAGCTATGCGATCAGCTTCTGTTGGCTCAGGCTCTGGAATTTCAAACCTAACATAAAAT-3'
Protein context (NP_005624.2, residues 653-673): PEPTEADRIA[Ile663=]ENGDQPLSAE

ClinVar aggregate classification (germline): Benign/Likely benign. Review status: criteria provided, multiple submitters, no conflicts (2 of 4 stars). 4 submissions from 4 submitters: Benign (1); Likely benign (3). Last evaluated 2026-04-07.

Conditions:
Cardiovascular phenotype. Identifiers: MedGen CN230736.
SOS1-related disorder. Also called: SOS1-related condition.
RASopathy. Also called: rasopathies; Noonan spectrum disorder. Identifiers: Orphanet 536391, MedGen C5555857, MONDO:0021060.

gnomAD v4.1: 46 of 1,605,122 alleles (0.0029%); highest among the groups gnomAD compares: Non-Finnish European, 0.0039%; no homozygotes.

Submissions (4):

PreventionGenetics, part of Exact Sciences
Classification: Likely benign for SOS1-related condition. Last evaluated: 2026-04-07. Review status: criteria provided, single submitter. Criteria: ACMG Guidelines, 2015. Collection method: clinical testing. Allele origin: germline.
Comment: This variant is classified as likely benign based on ACMG/AMP sequence variant interpretation guidelines (Richards et al. 2015 PMID: 25741868, with internal and published modifications).

Labcorp Genetics (formerly Invitae), Labcorp
Classification: Likely benign for RASopathy. Last evaluated: 2026-01-25. Review status: criteria provided, single submitter. Criteria: Invitae Variant Classification Sherloc (09022015). Collection method: clinical testing. Allele origin: germline.

Ambry Genetics
Classification: Likely benign for Cardiovascular phenotype. Last evaluated: 2022-12-16. Review status: criteria provided, single submitter. Criteria: Ambry Variant Classification Scheme 2023. Collection method: clinical testing. Allele origin: germline.

GeneDx
Classification: Benign. Last evaluated: 2014-02-07. Review status: criteria provided, single submitter. Criteria: GeneDx Variant Classification (06012015). Collection method: clinical testing. Allele origin: germline. Affected: yes.
Comment: This variant is considered likely benign or benign based on one or more of the following criteria: it is a conservative change, it occurs at a poorly conserved position in the protein, it is predicted to be benign by multiple in silico algorithms, and/or has population frequency not consistent with disease.